The following is an entry in ClinVar:

ClinVar aggregate classification (germline): Uncertain significance (1 of 4 stars; one submission).

Allele frequency attached by ClinVar (database versions not stated): TOPMed below 0.00001; gnomAD 0.00001.
gnomAD v4.1: 1 of 1,606,212 alleles (0.000062%); highest among the groups gnomAD compares: East Asian, 0.0022%; no homozygotes.

Submission:

Labcorp Genetics (formerly Invitae), Labcorp
Classification: Uncertain significance. Last evaluated: 2023-09-15. Review status: criteria provided, single submitter. Criteria: Invitae Variant Classification Sherloc (09022015). Collection method: clinical testing. Allele origin: germline.
Comment: In summary, the available evidence is currently insufficient to determine the role of this variant in disease. Therefore, it has been classified as a Variant of Uncertain Significance. An algorithm developed to predict the effect of missense changes on protein structure and function (PolyPhen-2) suggests that this variant is likely to be tolerated. This variant has not been reported in the literature in individuals affected with CACNA1D-related conditions. This variant is not present in population databases (gnomAD no frequency). This sequence change replaces aspartic acid, which is acidic and polar, with asparagine, which is neutral and polar, at codon 1697 of the CACNA1D protein (p.Asp1697Asn).

NM_001128840.3(CACNA1D):c.5029G>A (p.Asp1677Asn)

Gene: CACNA1D (calcium voltage-gated channel subunit alpha1 D; plus strand). Cytogenetic location: 3p21.1.
Variant type: single nucleotide variant.
Coding change: c.5029G>A on transcript NM_001128840.3 (MANE Select); coding-DNA position 5029, G replaced by A.
Protein change: p.Asp1677Asn; replaces aspartic acid 1677 with asparagine.
Molecular consequence: missense variant.
Genome position (GRCh38, 1-based): chr3:53,800,354, G>A. VCF-style: chr3-53800354-G-A. GRCh37 (hg19) VCF-style: chr3-53834381-G-A.
Other names: c.5089G>A, p.Asp1697Asn (NM_000720.4); c.4984G>A, p.Asp1662Asn (NM_001128839.3); short protein forms D1697N, D1662N, D1677N.
Identifiers: ClinVar variation 2760793 (VCV002760793.3), dbSNP rs1348497418, ClinGen allele CA353249716.